The following is an entry in ClinVar:

NM_005996.4(TBX3):c.1074G>A (p.Glu358=)

Gene: TBX3 (T-box transcription factor 3; minus strand). Cytogenetic location: 12q24.21.
Variant type: single nucleotide variant.
Coding change: c.1074G>A on transcript NM_005996.4 (MANE Select); coding-DNA position 1074, G replaced by A.
Protein change: p.Glu358=; no amino-acid change (glutamic acid 358 retained).
Molecular consequence: synonymous variant.
Genome position (GRCh38, 1-based): chr12:114,674,801, C>T on the plus strand (G>A on the coding strand, the complement: TBX3 is on the minus strand). VCF-style: chr12-114674801-C-T. GRCh37 (hg19) VCF-style: chr12-115112606-C-T.
Other names: c.1134G>A, p.Glu378= (NM_016569.4).
Identifiers: ClinVar variation 3357868 (VCV003357868.1).

ClinVar aggregate classification (germline): Likely benign (0 of 4 stars; one submission).

Conditions:
TBX3-related disorder. Also called: TBX3-related condition.

gnomAD v4.1: 2 of 1,579,496 alleles (0.00013%); highest among the groups gnomAD compares: Non-Finnish European, 0.00017%; no homozygotes.

Submission:

PreventionGenetics, part of Exact Sciences
Classification: Likely benign for TBX3-related condition. Last evaluated: 2021-06-18. Review status: no assertion criteria provided. Collection method: clinical testing. Allele origin: germline.
Comment: This variant is classified as likely benign based on ACMG/AMP sequence variant interpretation guidelines (Richards et al. 2015 PMID: 25741868, with internal and published modifications).